The following is an entry in ClinVar:

ClinVar aggregate classification (germline): Uncertain significance (1 of 4 stars; one submission).

Submission:

Labcorp Genetics (formerly Invitae), Labcorp
Classification: Uncertain significance. Last evaluated: 2024-07-30. Review status: criteria provided, single submitter. Criteria: Invitae Variant Classification Sherloc (09022015). Collection method: clinical testing. Allele origin: germline.
Comment: This sequence change replaces proline, which is neutral and non-polar, with serine, which is neutral and polar, at codon 313 of the ANKZF1 protein (p.Pro313Ser). This variant is not present in population databases (gnomAD no frequency). This variant has not been reported in the literature in individuals affected with ANKZF1-related conditions. An algorithm developed to predict the effect of missense changes on protein structure and function (PolyPhen-2) suggests that this variant is likely to be disruptive. In summary, the available evidence is currently insufficient to determine the role of this variant in disease. Therefore, it has been classified as a Variant of Uncertain Significance.

NM_018089.3(ANKZF1):c.937C>T (p.Pro313Ser)

Gene: ANKZF1 (ankyrin repeat and zinc finger peptidyl tRNA hydrolase 1; plus strand). Cytogenetic location: 2q35.
Variant type: single nucleotide variant.
Coding change: c.937C>T on transcript NM_018089.3 (MANE Select); coding-DNA position 937, C replaced by T.
Protein change: p.Pro313Ser; replaces proline 313 with serine.
Molecular consequence: missense variant.
Genome position (GRCh38, 1-based): chr2:219,233,832, C>T. VCF-style: chr2-219233832-C-T. GRCh37 (hg19) VCF-style: chr2-220098554-C-T.
Other names: c.937C>T, p.Pro313Ser (NM_001042410.2); c.307C>T, p.Pro103Ser (NM_001282792.2); short protein forms P313S, P103S.
Identifiers: ClinVar variation 3660844 (VCV003660844.2).